The following is an entry in ClinVar:

NM_000273.3(GPR143):c.525G>A (p.Met175Ile)

Gene: GPR143 (G protein-coupled receptor 143; minus strand). Cytogenetic location: Xp22.2.
Variant type: single nucleotide variant.
Coding change: c.525G>A on transcript NM_000273.3 (MANE Select); coding-DNA position 525, G replaced by A.
Protein change: p.Met175Ile; replaces methionine 175 with isoleucine.
Molecular consequence: missense variant.
Genome position (GRCh38, 1-based): chrX:9,748,597, C>T on the plus strand (G>A on the coding strand, the complement: GPR143 is on the minus strand). VCF-style: chrX-9748597-C-T. GRCh37 (hg19) VCF-style: chrX-9716637-C-T.
Other names: short protein forms M175I.
Identifiers: ClinVar variation 3649314 (VCV003649314.2).

ClinVar aggregate classification (germline): Uncertain significance (1 of 4 stars; one submission).

Submission:

Labcorp Genetics (formerly Invitae), Labcorp
Classification: Uncertain significance. Last evaluated: 2024-04-15. Review status: criteria provided, single submitter. Criteria: Invitae Variant Classification Sherloc (09022015). Collection method: clinical testing. Allele origin: germline.
Comment: This sequence change replaces methionine, which is neutral and non-polar, with isoleucine, which is neutral and non-polar, at codon 175 of the GPR143 protein (p.Met175Ile). This variant is not present in population databases (gnomAD no frequency). This variant has not been reported in the literature in individuals affected with GPR143-related conditions. Advanced modeling of protein sequence and biophysical properties (such as structural, functional, and spatial information, amino acid conservation, physicochemical variation, residue mobility, and thermodynamic stability) performed at Invitae indicates that this missense variant is not expected to disrupt GPR143 protein function with a negative predictive value of 80%. In summary, the available evidence is currently insufficient to determine the role of this variant in disease. Therefore, it has been classified as a Variant of Uncertain Significance.